The following is an entry in ClinVar:

NM_016464.5(TMEM138):c.448T>A (p.Ser150Thr)

Gene: TMEM138 (transmembrane protein 138; plus strand). Cytogenetic location: 11q12.2.
Variant type: single nucleotide variant.
Coding change: c.448T>A on transcript NM_016464.5 (MANE Select); coding-DNA position 448, T replaced by A.
Protein change: p.Ser150Thr; replaces serine 150 with threonine.
Molecular consequence: missense variant. On other transcripts: non-coding transcript variant (1).
Genome position (GRCh38, 1-based): chr11:61,368,668, T>A. VCF-style: chr11-61368668-T-A. GRCh37 (hg19) VCF-style: chr11-61136140-T-A.
Other names: c.274T>A, p.Ser92Thr (NM_001330281.2); c.*512T>A (NM_001410999.1); short protein forms S150T, S92T.
Identifiers: ClinVar variation 2122104 (VCV002122104.4), dbSNP rs2539872327, ClinGen allele CA380680642.

ClinVar aggregate classification (germline): Uncertain significance (1 of 4 stars; one submission).

Conditions:
Joubert syndrome 16 (JBTS16). Identifiers: Orphanet 2318, MedGen C3280906, MONDO:0013764, OMIM 614465.

Submission:

Labcorp Genetics (formerly Invitae), Labcorp
Classification: Uncertain significance for Joubert syndrome 16. Last evaluated: 2022-04-06. Review status: criteria provided, single submitter. Criteria: Invitae Variant Classification Sherloc (09022015). Collection method: clinical testing. Allele origin: germline.
Comment: This sequence change replaces serine, which is neutral and polar, with threonine, which is neutral and polar, at codon 150 of the TMEM138 protein (p.Ser150Thr). This variant is not present in population databases (gnomAD no frequency). This variant has not been reported in the literature in individuals affected with TMEM138-related conditions. Algorithms developed to predict the effect of missense changes on protein structure and function are either unavailable or do not agree on the potential impact of this missense change (SIFT: "Tolerated"; PolyPhen-2: "Possibly Damaging"; Align-GVGD: "Class C0"). In summary, the available evidence is currently insufficient to determine the role of this variant in disease. Therefore, it has been classified as a Variant of Uncertain Significance.